The following is an entry in ClinVar:

ClinVar aggregate classification (germline): Uncertain significance. Review status: criteria provided, single submitter (1 of 4 stars). 2 submissions from 2 submitters: Uncertain significance (1). 1 of the submissions does not count toward it. Last evaluated 2022-06-03.

Conditions:
Joubert syndrome. Also called: CEREBELLOPARENCHYMAL DISORDER IV; JOUBERT-BOLTSHAUSER SYNDROME; Familial aplasia of the vermis. Identifiers: Orphanet 475, MedGen C5979921, MONDO:0018772.
Meckel-Gruber syndrome. Also called: DYSENCEPHALIA SPLANCHNOCYSTICA; GRUBER SYNDROME; Dysencephalia splachnocystica. Identifiers: Orphanet 564, MedGen C0265215, MONDO:0018921.

Allele frequency attached by ClinVar (database versions not stated): TOPMed below 0.00001; gnomAD 0.00001.
gnomAD v4.1: 1 of 1,613,200 alleles (0.000062%); highest among the groups gnomAD compares: Non-Finnish European, 0.000085%; no homozygotes.

Submissions (2):

Labcorp Genetics (formerly Invitae), Labcorp
Classification: Uncertain significance for Joubert syndrome; Meckel-Gruber syndrome. Last evaluated: 2022-06-03. Review status: criteria provided, single submitter. Criteria: Invitae Variant Classification Sherloc (09022015). Collection method: clinical testing. Allele origin: germline.
Comment: This sequence change replaces aspartic acid, which is acidic and polar, with histidine, which is basic and polar, at codon 1042 of the RPGRIP1L protein (p.Asp1042His). In summary, the available evidence is currently insufficient to determine the role of this variant in disease. Therefore, it has been classified as a Variant of Uncertain Significance. Algorithms developed to predict the effect of missense changes on protein structure and function are either unavailable or do not agree on the potential impact of this missense change (SIFT: "Deleterious"; PolyPhen-2: "Benign"; Align-GVGD: "Class C0"). This variant has not been reported in the literature in individuals affected with RPGRIP1L-related conditions. This variant is not present in population databases (gnomAD no frequency).

Natera, Inc.
Classification: Uncertain significance for Joubert syndrome. Last evaluated: 2025-02-04. Review status: no assertion criteria provided. Collection method: clinical testing. Allele origin: germline. Not counted in ClinVar's aggregate classification.

NM_015272.5(RPGRIP1L):c.3124G>C (p.Asp1042His)

Gene: RPGRIP1L (RPGRIP1 like; minus strand). Cytogenetic location: 16q12.2.
Variant type: single nucleotide variant.
Coding change: c.3124G>C on transcript NM_015272.5 (MANE Select); coding-DNA position 3124, G replaced by C.
Protein change: p.Asp1042His; replaces aspartic acid 1042 with histidine.
Molecular consequence: missense variant.
Genome position (GRCh38, 1-based): chr16:53,637,791, C>G on the plus strand (G>C on the coding strand, the complement: RPGRIP1L is on the minus strand). VCF-style: chr16-53637791-C-G. GRCh37 (hg19) VCF-style: chr16-53671703-C-G.
Other names: c.3124G>C (NM_015272.4); c.3022G>C, p.Asp1008His (NM_001127897.4, NM_001330538.2); c.3124G>C, p.Asp1042His (NM_001308334.3); short protein forms D1008H, D1042H.
Identifiers: ClinVar variation 1928769 (VCV001928769.6), dbSNP rs1170190799, ClinGen allele CA395926328.
Genomic context (GRCh38, chr16:53,637,791, plus strand): 5'-CTTCAGAAGATGCCAAGCTTTGTTCTGCAAGCTGACCTTCAGATAGTAAAGACACATCAT[C>G]TTTTCCTTGCTGCATTTTCTCAGTATTCTCTTTTACCTCATCTACACTGCCTTCTTGTGA-3'
Protein context (NP_056087.2, residues 1032-1052): ENTEKMQQGK[Asp1042His]DVSLLSEGQL